The following is an entry in ClinVar:

ClinVar aggregate classification (germline): Uncertain significance (1 of 4 stars; one submission).

Conditions:
Charcot-Marie-Tooth disease axonal type 2C (HMSN2C). Also called: CHARCOT-MARIE-TOOTH DISEASE, AXONAL, AUTOSOMAL DOMINANT, TYPE 2C; Charcot-Marie-Tooth Neuropathy Type 2C; Charcot-Marie-Tooth Disease Type 2, TRPV4-Related (CMT2C). Identifiers: Orphanet 99937, MedGen C1853710, MONDO:0011633, OMIM 606071.

Submission:

Labcorp Genetics (formerly Invitae), Labcorp
Classification: Uncertain significance for Charcot-Marie-Tooth disease axonal type 2C. Last evaluated: 2018-12-14. Review status: criteria provided, single submitter. Criteria: Invitae Variant Classification Sherloc (09022015). Collection method: clinical testing. Allele origin: germline.
Comment: This sequence change replaces aspartic acid with histidine at codon 854 of the TRPV4 protein (p.Asp854His). The aspartic acid residue is weakly conserved and there is a moderate physicochemical difference between aspartic acid and histidine. This variant is not present in population databases (ExAC no frequency). This variant has not been reported in the literature in individuals with TRPV4-related conditions. Algorithms developed to predict the effect of missense changes on protein structure and function (SIFT, PolyPhen-2, Align-GVGD) all suggest that this variant is likely to be tolerated, but these predictions have not been confirmed by published functional studies and their clinical significance is uncertain. In summary, the available evidence is currently insufficient to determine the role of this variant in disease. Therefore, it has been classified as a Variant of Uncertain Significance.

NM_021625.5(TRPV4):c.2560G>C (p.Asp854His)

Gene: TRPV4 (transient receptor potential cation channel subfamily V member 4; minus strand). Cytogenetic location: 12q24.11.
Variant type: single nucleotide variant.
Coding change: c.2560G>C on transcript NM_021625.5 (MANE Select); coding-DNA position 2560, G replaced by C.
Protein change: p.Asp854His; replaces aspartic acid 854 with histidine.
Molecular consequence: missense variant.
Genome position (GRCh38, 1-based): chr12:109,783,677, C>G on the plus strand (G>C on the coding strand, the complement: TRPV4 is on the minus strand). VCF-style: chr12-109783677-C-G. GRCh37 (hg19) VCF-style: chr12-110221482-C-G.
Other names: c.2419G>C, p.Asp807His (NM_001177428.2); c.2458G>C, p.Asp820His (NM_001177431.2); c.2239G>C, p.Asp747His (NM_001177433.2); c.2380G>C, p.Asp794His (NM_147204.3); short protein forms D794H, D854H, D807H, D820H, D747H.
Identifiers: ClinVar variation 653472 (VCV000653472.8), dbSNP rs368963822, ClinGen allele CA386648405.